The following is an entry in ClinVar:

ClinVar aggregate classification (germline): Likely benign. Review status: criteria provided, multiple submitters, no conflicts (2 of 4 stars). 2 submissions from 2 submitters: Likely benign (2). Last evaluated 2025-12-01.

Allele frequency attached by ClinVar (database versions not stated): gnomAD 0.00001; gnomAD exomes 0.00001; ExAC 0.00003; TOPMed 0.00003.
gnomAD v4.1: 19 of 1,613,822 alleles (0.0012%); highest among the groups gnomAD compares: Middle Eastern, 0.016%; no homozygotes.

Submissions (2):

CeGaT Center for Human Genetics Tuebingen
Classification: Likely benign. Last evaluated: 2025-12-01. Review status: criteria provided, single submitter. Criteria: CeGaT Center For Human Genetics Tuebingen Variant Classification Criteria Version 2. Collection method: clinical testing. Allele origin: germline. Affected: yes. Observed: 1 variant allele.
Comment: NSD1: BP4, BP7

Labcorp Genetics (formerly Invitae), Labcorp
Classification: Likely benign. Last evaluated: 2025-05-19. Review status: criteria provided, single submitter. Criteria: Invitae Variant Classification Sherloc (09022015). Collection method: clinical testing. Allele origin: germline.

NM_022455.5(NSD1):c.6681G>A (p.Pro2227=)

Gene: NSD1 (nuclear receptor binding SET domain protein 1; plus strand). Cytogenetic location: 5q35.3.
Variant type: single nucleotide variant.
Coding change: c.6681G>A on transcript NM_022455.5 (MANE Select); coding-DNA position 6681, G replaced by A.
Protein change: p.Pro2227=; no amino-acid change (proline 2227 retained).
Molecular consequence: synonymous variant.
Genome position (GRCh38, 1-based): chr5:177,294,049, G>A. VCF-style: chr5-177294049-G-A. GRCh37 (hg19) VCF-style: chr5-176721050-G-A.
Other names: c.5808G>A, p.Pro1936= (NM_001365684.2, NM_001409308.1, NM_172349.5); c.6681G>A, p.Pro2227= (NM_001409301.1, NM_001409302.1, NM_001409303.1); c.6261G>A, p.Pro2087= (NM_001409304.1); c.5928G>A, p.Pro1976= (NM_001409305.1); c.5919G>A, p.Pro1973= (NM_001409306.1, NM_001409307.1); c.5559G>A, p.Pro1853= (NM_001409309.1).
Identifiers: ClinVar variation 2196012 (VCV002196012.9), dbSNP rs770203181, ClinGen allele CA3578028.